The following is an entry in ClinVar:

NM_001040108.2(MLH3):c.3795A>G (p.Ile1265Met)

Gene: MLH3 (mutL homolog 3; minus strand). Cytogenetic location: 14q24.3.
Variant type: single nucleotide variant.
Coding change: c.3795A>G on transcript NM_001040108.2 (MANE Select); coding-DNA position 3795, A replaced by G.
Protein change: p.Ile1265Met; replaces isoleucine 1265 with methionine.
Molecular consequence: missense variant.
Genome position (GRCh38, 1-based): chr14:75,032,100, T>C on the plus strand (A>G on the coding strand, the complement: MLH3 is on the minus strand). VCF-style: chr14-75032100-T-C. GRCh37 (hg19) VCF-style: chr14-75498803-T-C.
Other names: c.3723A>G, p.Ile1241Met (NM_014381.3); short protein forms I1241M, I1265M.
Identifiers: ClinVar variation 3232558 (VCV003232558.1), dbSNP rs2503131662, ClinGen allele CA390424820.

ClinVar aggregate classification (germline): Uncertain significance (1 of 4 stars; one submission).

Submission:

Ambry Genetics
Classification: Uncertain significance. Last evaluated: 2023-10-26. Review status: criteria provided, single submitter. Criteria: Ambry Variant Classification Scheme 2023. Collection method: clinical testing. Allele origin: germline.
Comment: The p.I1265M variant (also known as c.3795A>G), located in coding exon 7 of the MLH3 gene, results from an A to G substitution at nucleotide position 3795. The isoleucine at codon 1265 is replaced by methionine, an amino acid with highly similar properties. This amino acid position is conserved. In addition, this alteration is predicted to be tolerated by in silico analysis. Since supporting evidence is limited at this time, the clinical significance of this alteration remains unclear.